The following is an entry in ClinVar:

ClinVar aggregate classification (germline): Likely benign. Review status: criteria provided, multiple submitters, no conflicts (2 of 4 stars). 2 submissions from 2 submitters: Likely benign (2). Last evaluated 2025-11-25.

Allele frequency attached by ClinVar (database versions not stated): ExAC 0.00001; TOPMed 0.00002; gnomAD exomes 0.00003.
gnomAD v4.1: 42 of 1,614,198 alleles (0.0026%); highest among the groups gnomAD compares: Non-Finnish European, 0.0035%; no homozygotes.

Submissions (2):

Labcorp Genetics (formerly Invitae), Labcorp
Classification: Likely benign. Last evaluated: 2025-11-25. Review status: criteria provided, single submitter. Criteria: Invitae Variant Classification Sherloc (09022015). Collection method: clinical testing. Allele origin: germline.

CeGaT Center for Human Genetics Tuebingen
Classification: Likely benign. Last evaluated: 2022-09-01. Review status: criteria provided, single submitter. Criteria: CeGaT Center For Human Genetics Tuebingen Variant Classification Criteria Version 2. Collection method: clinical testing. Allele origin: germline. Affected: yes. Observed: 1 variant allele.
Comment: MCM3AP: BP4, BP7

NM_003906.5(MCM3AP):c.360T>C (p.Ala120=)

Gene: MCM3AP (minichromosome maintenance complex component 3 associated protein; minus strand). Cytogenetic location: 21q22.3.
Variant type: single nucleotide variant.
Coding change: c.360T>C on transcript NM_003906.5 (MANE Select); coding-DNA position 360, T replaced by C.
Protein change: p.Ala120=; no amino-acid change (alanine 120 retained).
Molecular consequence: synonymous variant.
Genome position (GRCh38, 1-based): chr21:46,284,927, A>G on the plus strand (T>C on the coding strand, the complement: MCM3AP is on the minus strand). VCF-style: chr21-46284927-A-G. GRCh37 (hg19) VCF-style: chr21-47704841-A-G.
Identifiers: ClinVar variation 1711545 (VCV001711545.37), dbSNP rs111899493, ClinGen allele CA10077362.
Genomic context (GRCh38, chr21:46,284,927, plus strand): 5'-CCCAAAACCAGAGTTCACTATTTCTCCAGCTTCTTGTCCAAAAGCAGAAGTGCTTGGGAA[A>G]GCCCCAACACTGGTGGGTGATTTAAAACTAAATCCTGTGTTTCCCAGCACAGATGAACTT-3'
Protein context (NP_003897.2, residues 110-130): FSFKSPTSVG[Ala120=]FPSTSAFGQE